The following is an entry in ClinVar:

NM_004333.6(BRAF):c.1993A>G (p.Ile665Val)

Gene: BRAF (B-Raf proto-oncogene, serine/threonine kinase; minus strand). Cytogenetic location: 7q34.
Variant type: single nucleotide variant.
Coding change: c.1993A>G on transcript NM_004333.6 (MANE Select); coding-DNA position 1993, A replaced by G.
Protein change: p.Ile665Val; replaces isoleucine 665 with valine.
Molecular consequence: missense variant.
Genome position (GRCh38, 1-based): chr7:140,739,946, T>C on the plus strand (A>G on the coding strand, the complement: BRAF is on the minus strand). VCF-style: chr7-140739946-T-C. GRCh37 (hg19) VCF-style: chr7-140439746-T-C.
Other names: c.1993A>G, p.Ile665Val (NM_001354609.2, NM_001378468.1, NM_001378474.1); c.2113A>G, p.Ile705Val (NM_001374244.1, NM_001374258.1); c.2002A>G, p.Ile668Val (NM_001378467.1); c.1927A>G, p.Ile643Val (NM_001378469.1); c.1891A>G, p.Ile631Val (NM_001378470.1); c.1882A>G, p.Ile628Val (NM_001378471.1); c.1837A>G, p.Ile613Val (NM_001378472.1, NM_001378473.1); c.1729A>G, p.Ile577Val (NM_001378475.1); short protein forms I613V, I643V, I668V, I705V, I631V, I577V, I665V, I628V.
Identifiers: ClinVar variation 3023528 (VCV003023528.3), dbSNP rs2130901082, ClinGen allele CA369538608.

ClinVar aggregate classification (germline): Uncertain significance (1 of 4 stars; one submission).

Conditions:
RASopathy. Also called: Noonan spectrum disorder; rasopathies. Identifiers: Orphanet 536391, MedGen C5555857, MONDO:0021060.

Allele frequency attached by ClinVar (database versions not stated): gnomAD exomes below 0.00001.
gnomAD v4.1: 1 of 1,613,452 alleles (0.000062%); highest among the groups gnomAD compares: Non-Finnish European, 0.000085%; no homozygotes.

Submission:

Labcorp Genetics (formerly Invitae), Labcorp
Classification: Uncertain significance for RASopathy. Last evaluated: 2023-01-17. Review status: criteria provided, single submitter. Criteria: Invitae Variant Classification Sherloc (09022015). Collection method: clinical testing. Allele origin: germline.
Comment: In summary, the available evidence is currently insufficient to determine the role of this variant in disease. Therefore, it has been classified as a Variant of Uncertain Significance. Algorithms developed to predict the effect of missense changes on protein structure and function (SIFT, PolyPhen-2, Align-GVGD) all suggest that this variant is likely to be disruptive. This variant has not been reported in the literature in individuals affected with BRAF-related conditions. This variant is not present in population databases (gnomAD no frequency). This sequence change replaces isoleucine, which is neutral and non-polar, with valine, which is neutral and non-polar, at codon 665 of the BRAF protein (p.Ile665Val).